The following is an entry in ClinVar:

NM_021076.4(NEFH):c.869A>G (p.Glu290Gly)

Gene: NEFH (neurofilament heavy chain; plus strand). Cytogenetic location: 22q12.2.
Variant type: single nucleotide variant.
Coding change: c.869A>G on transcript NM_021076.4 (MANE Select); coding-DNA position 869, A replaced by G.
Protein change: p.Glu290Gly; replaces glutamic acid 290 with glycine.
Molecular consequence: missense variant.
Genome position (GRCh38, 1-based): chr22:29,481,131, A>G. VCF-style: chr22-29481131-A-G. GRCh37 (hg19) VCF-style: chr22-29877120-A-G.
Other names: short protein forms E290G.
Identifiers: ClinVar variation 1471728 (VCV001471728.8), dbSNP rs1456182070, ClinGen allele CA411124277.

ClinVar aggregate classification (germline): Uncertain significance (1 of 4 stars; one submission).

Allele frequency attached by ClinVar (database versions not stated): gnomAD exomes below 0.00001 and 0.00001.

Submission:

Labcorp Genetics (formerly Invitae), Labcorp
Classification: Uncertain significance. Last evaluated: 2021-02-14. Review status: criteria provided, single submitter. Criteria: Invitae Variant Classification Sherloc (09022015). Collection method: clinical testing. Allele origin: germline.
Comment: In summary, the available evidence is currently insufficient to determine the role of this variant in disease. Therefore, it has been classified as a Variant of Uncertain Significance. Algorithms developed to predict the effect of missense changes on protein structure and function are either unavailable or do not agree on the potential impact of this missense change (SIFT: "Deleterious"; PolyPhen-2: "Not Available"; Align-GVGD: "Class C0"). This variant has not been reported in the literature in individuals with NEFH-related conditions. The frequency data for this variant in the population databases is considered unreliable, as metrics indicate insufficient coverage at this position in the ExAC database. This sequence change replaces glutamic acid with glycine at codon 290 of the NEFH protein (p.Glu290Gly). The glutamic acid residue is highly conserved and there is a moderate physicochemical difference between glutamic acid and glycine.